The following is an entry in ClinVar:

NM_031418.4(ANO3):c.2810A>G (p.Asp937Gly)

Gene: ANO3 (anoctamin 3; plus strand). Cytogenetic location: 11p14.2.
Variant type: single nucleotide variant.
Coding change: c.2810A>G on transcript NM_031418.4 (MANE Select); coding-DNA position 2810, A replaced by G.
Protein change: p.Asp937Gly; replaces aspartic acid 937 with glycine.
Molecular consequence: missense variant.
Genome position (GRCh38, 1-based): chr11:26,660,308, A>G. VCF-style: chr11-26660308-A-G. GRCh37 (hg19) VCF-style: chr11-26681855-A-G.
Other names: c.2993A>G, p.Asp998Gly (NM_001313726.2); c.2372A>G, p.Asp791Gly (NM_001313727.2); short protein forms D791G, D937G, D998G.
Identifiers: ClinVar variation 1698115 (VCV001698115.2), dbSNP rs2133106169, ClinGen allele CA379941312.

ClinVar aggregate classification (germline): Uncertain significance (1 of 4 stars; one submission).

Submission:

GeneDx
Classification: Uncertain significance. Last evaluated: 2022-01-19. Review status: criteria provided, single submitter. Criteria: GeneDx Variant Classification Process June 2021. Collection method: clinical testing. Allele origin: germline. Affected: yes.
Comment: Not observed at significant frequency in large population cohorts (gnomAD); In silico analysis supports that this missense variant has a deleterious effect on protein structure/function; Has not been previously published as pathogenic or benign to our knowledge